The following is an entry in ClinVar:

NM_015909.4(NBAS):c.5547del (p.Trp1850fs)

Gene: NBAS (NBAS subunit of NRZ tethering complex; minus strand). Cytogenetic location: 2p24.3.
Variant type: Deletion.
Coding change: c.5547del on transcript NM_015909.4 (MANE Select); coding-DNA position 5547, one base deleted (C; older notation c.5547delC).
Protein change: p.Trp1850fs; shifts the reading frame from tryptophan 1850.
Molecular consequence: frameshift variant. On other transcripts: non-coding transcript variant (1).
Genome position (GRCh38, 1-based): chr2:15,275,661, G deleted on the plus strand (C on the coding strand, the reverse complement: NBAS is on the minus strand). VCF-style (leftmost placement, unchanged base first): chr2-15275660-AG-A. GRCh37 (hg19) VCF-style: chr2-15415784-AG-A.
Other names: c.5547delC (NM_015909.4); short protein forms W1850fs.
Identifiers: ClinVar variation 2446020 (VCV002446020.6), dbSNP rs1478754689, ClinGen allele CA531314773.

ClinVar aggregate classification (germline): Pathogenic. Review status: criteria provided, multiple submitters, no conflicts (2 of 4 stars). 4 submissions from 4 submitters: Pathogenic (3). 1 of the submissions does not count toward it. Last evaluated 2025-12-28.

Conditions:
NBAS-related disorder. Also called: NBAS-related condition.
Acute infantile liver failure due to synthesis defect of mtDNA-encoded proteins. Also called: TRMU Deficiency; LIVER FAILURE, INFANTILE, TRANSIENT; Liver failure acute infantile. Identifiers: Orphanet 217371, MedGen C3278664, MONDO:0013111, OMIM 613070.

Allele frequency attached by ClinVar (database versions not stated): TOPMed 0.00001; gnomAD exomes 0.00002; gnomAD 0.00001.

Submissions (4):

Labcorp Genetics (formerly Invitae), Labcorp
Classification: Pathogenic. Last evaluated: 2025-12-28. Review status: criteria provided, single submitter. Criteria: Invitae Variant Classification Sherloc (09022015). Collection method: clinical testing. Allele origin: germline.
Comment: This sequence change creates a premature translational stop signal (p.Trp1850Glyfs*32) in the NBAS gene. It is expected to result in an absent or disrupted protein product. Loss-of-function variants in NBAS are known to be pathogenic (PMID: 26073778, 26541327, 27789416, 28031453). This variant is present in population databases (no rsID available, gnomAD 0.0009%). This premature translational stop signal has been observed in individual(s) with clinical features of SOPH syndrome (PMID: 31761904). ClinVar contains an entry for this variant (Variation ID: 2446020). For these reasons, this variant has been classified as Pathogenic.

Women's Health and Genetics/Laboratory Corporation of America, LabCorp
Classification: Pathogenic for Acute infantile liver failure due to synthesis defect of mtDNA-encoded proteins. Last evaluated: 2023-12-18. Review status: criteria provided, single submitter. Criteria: LabCorp Variant Classification Summary - May 2015. Collection method: clinical testing. Allele origin: germline.
Comment: Variant summary: NBAS c.5547delC (p.Trp1850GlyfsX32) results in a premature termination codon, predicted to cause a truncation of the encoded protein or absence of the protein due to nonsense mediated decay, which are commonly known mechanisms for disease. The variant allele was found at a frequency of 4e-06 in 251080 control chromosomes. c.5547delC has been reported in the literature in at least one compound heterozygous individual affected with clinical features of Liver Failure Acute Infantile, Type 2 (e.g. Staufner_NBAS_GenMed_2010). These data suggest the variant is likely to be associated with disease. To our knowledge, no experimental evidence demonstrating an impact on protein function has been reported. The following publication has been ascertained in the context of this evaluation (PMID: 31761904). One submitter has cited clinical-significance assessments for this variant to ClinVar after 2014 and has classified the variant as pathogenic. Based on the evidence outlined above, the variant was classified as pathogenic.

Center for Personalized Medicine, Children's Hospital Los Angeles
Classification: Pathogenic. Last evaluated: 2022-12-21. Review status: criteria provided, single submitter. Criteria: ACMG Guidelines, 2015. Collection method: clinical testing. Allele origin: inherited. Affected: yes.

PreventionGenetics, part of Exact Sciences
Classification: Likely pathogenic for NBAS-related condition. Last evaluated: 2024-09-05. Review status: no assertion criteria provided. Collection method: clinical testing. Allele origin: germline. Not counted in ClinVar's aggregate classification.
Comment: The NBAS c.5547delC variant is predicted to result in a frameshift and premature protein termination (p.Trp1850Glyfs*32). This variant has been reported in individuals with autosomal recessive NBAS-related disorders (Staufner et al. 2020. PubMed ID: 31761904; Hanany et al. 2020. PubMed ID: 31964843). This variant is reported in 0.00088% of alleles in individuals of European (Non-Finnish) descent in gnomAD. Frameshift variants in NBAS are expected to be pathogenic. This variant is interpreted as likely pathogenic.

Literature cited by the submitters: PubMed 26073778 (cited by Labcorp Genetics (formerly Invitae), Labcorp); PubMed 26541327 (cited by Labcorp Genetics (formerly Invitae), Labcorp); PubMed 27789416 (cited by Labcorp Genetics (formerly Invitae), Labcorp); PubMed 28031453 (cited by Labcorp Genetics (formerly Invitae), Labcorp); PubMed 31761904 (cited by Labcorp Genetics (formerly Invitae), Labcorp and Women's Health and Genetics/Laboratory Corporation of America, LabCorp).